The following is an entry in ClinVar:

ClinVar aggregate classification (germline): Uncertain significance (1 of 4 stars; one submission).

Conditions:
Familial thoracic aortic aneurysm and aortic dissection (TAAD). Also called: Thoracic aortic aneurysms and dissections. Identifiers: Orphanet 91387, MedGen C4707243, MONDO:0019625.

Submission:

Color Diagnostics, LLC DBA Color Health
Classification: Uncertain significance for Familial thoracic aortic aneurysm and aortic dissection. Last evaluated: 2022-12-13. Review status: criteria provided, single submitter. Criteria: ACMG Guidelines, 2015. Collection method: clinical testing. Allele origin: germline.
Comment: This missense variant replaces histidine with glutamine at codon 2374 of the FBN1 protein. Computational prediction suggests that this variant may not impact protein structure and function (internally defined REVEL score threshold <= 0.5, PMID: 27666373). To our knowledge, functional studies have not been reported for this variant. This variant has not been reported in individuals affected with FBN1-related disorders in the literature. This variant has not been identified in the general population by the Genome Aggregation Database (gnomAD). The available evidence is insufficient to determine the role of this variant in disease conclusively. Therefore, this variant is classified as a Variant of Uncertain Significance.

NM_000138.5(FBN1):c.7122C>G (p.His2374Gln)

Gene: FBN1 (fibrillin 1; minus strand). Cytogenetic location: 15q21.1.
Variant type: single nucleotide variant.
Coding change: c.7122C>G on transcript NM_000138.5 (MANE Select); coding-DNA position 7122, C replaced by G.
Protein change: p.His2374Gln; replaces histidine 2374 with glutamine.
Molecular consequence: missense variant.
Genome position (GRCh38, 1-based): chr15:48,427,649, G>C on the plus strand (C>G on the coding strand, the complement: FBN1 is on the minus strand). VCF-style: chr15-48427649-G-C. GRCh37 (hg19) VCF-style: chr15-48719846-G-C.
Other names: c.7122C>G, p.His2374Gln (NM_001406716.1); short protein forms H2374Q.
Identifiers: ClinVar variation 2773318 (VCV002773318.2), dbSNP rs1033707689, ClinGen allele CA392329640.